The following is an entry in ClinVar:

ClinVar aggregate classification (germline): Uncertain significance. Review status: criteria provided, multiple submitters, no conflicts (2 of 4 stars). 2 submissions from 2 submitters: Uncertain significance (2). Last evaluated 2025-06-18.

Conditions:
ROBO1-related disorder. Also called: ROBO1-related condition.

Allele frequency attached by ClinVar (database versions not stated): ExAC 0.00013; gnomAD 0.00015 and 0.00016; gnomAD exomes 0.00015; ESP Exome Variant Server 0.00017; TOPMed 0.00017.
gnomAD v4.1: 443 of 1,553,966 alleles (0.029%); highest among the groups gnomAD compares: Non-Finnish European, 0.036%; 1 homozygote.

Submissions (2):

PreventionGenetics, part of Exact Sciences
Classification: Uncertain significance for ROBO1-related condition. Last evaluated: 2025-06-18. Review status: criteria provided, single submitter. Criteria: ACMG Guidelines, 2015. Collection method: clinical testing. Allele origin: germline.
Comment: The ROBO1 c.1967-8T>A variant is predicted to interfere with splicing. This variant is predicted to create a cryptic splice acceptor site (SpliceAI, Jaganathan et al. 2019. PubMed ID: 30661751). To our knowledge, this variant has not been reported in the literature. This variant is reported in 0.032% of alleles in individuals of European (Non-Finnish) descent in gnomAD. At this time, the clinical significance of this variant is uncertain due to the absence of conclusive functional and genetic evidence.

Labcorp Genetics (formerly Invitae), Labcorp
Classification: Uncertain significance. Last evaluated: 2023-06-26. Review status: criteria provided, single submitter. Criteria: Invitae Variant Classification Sherloc (09022015). Collection method: clinical testing. Allele origin: germline.
Comment: Algorithms developed to predict the effect of sequence changes on RNA splicing suggest that this variant may disrupt the consensus splice site. This sequence change falls in intron 14 of the ROBO1 gene. It does not directly change the encoded amino acid sequence of the ROBO1 protein. This variant is present in population databases (rs368732828, gnomAD 0.03%). This variant has not been reported in the literature in individuals affected with ROBO1-related conditions. ClinVar contains an entry for this variant (Variation ID: 1422770). In summary, the available evidence is currently insufficient to determine the role of this variant in disease. Therefore, it has been classified as a Variant of Uncertain Significance.

NM_002941.4(ROBO1):c.1967-8T>A

Gene: ROBO1 (roundabout guidance receptor 1; minus strand). Cytogenetic location: 3p12.3.
Variant type: single nucleotide variant.
Coding change: c.1967-8T>A on transcript NM_002941.4 (MANE Select); 8 bases into the intron before coding-DNA position 1967, T replaced by A.
Molecular consequence: intron variant.
Genome position (GRCh38, 1-based): chr3:78,662,122, A>T on the plus strand (T>A on the coding strand, the complement: ROBO1 is on the minus strand). VCF-style: chr3-78662122-A-T. GRCh37 (hg19) VCF-style: chr3-78711272-A-T.
Other names: c.1859-8T>A (NM_001145845.2, NM_133631.4); c.1967-8T>A (NM_002941.3).
Identifiers: ClinVar variation 1422770 (VCV001422770.6), dbSNP rs368732828, ClinGen allele CA2498810.
Genomic context (GRCh38, chr3:78,662,122, plus strand): 5'-CAGCTCTCTCTGGACCTGCTTGTGGTCCACCCCCTGACTTGTTGGTAGGACATCTACAAC[A>T]AGTCAAGAAAACTGTGTCAGGGTCTGCACAACGTTACTGAACGGAATGAAAGCATGGTGA-3'